The following is an entry in ClinVar:

NM_001440.4(EXTL3):c.174T>G (p.Asp58Glu)

Gene: EXTL3 (exostosin like glycosyltransferase 3; plus strand). Cytogenetic location: 8p21.1.
Variant type: single nucleotide variant.
Coding change: c.174T>G on transcript NM_001440.4 (MANE Select); coding-DNA position 174, T replaced by G.
Protein change: p.Asp58Glu; replaces aspartic acid 58 with glutamic acid.
Molecular consequence: missense variant.
Genome position (GRCh38, 1-based): chr8:28,716,233, T>G. VCF-style: chr8-28716233-T-G. GRCh37 (hg19) VCF-style: chr8-28573750-T-G.
Other names: c.174T>G (NM_001440.2); short protein forms D58E.
Identifiers: ClinVar variation 1401634 (VCV001401634.4), dbSNP rs762082642, ClinGen allele CA4695942.

ClinVar aggregate classification (germline): Uncertain significance. Review status: criteria provided, multiple submitters, no conflicts (2 of 4 stars). 2 submissions from 2 submitters: Uncertain significance (2). Last evaluated 2023-12-13.

Conditions:
Inborn genetic diseases. Identifiers: MedGen C0950123, MeSH D030342.

Allele frequency attached by ClinVar (database versions not stated): gnomAD 0.00003; gnomAD exomes 0.00004; TOPMed 0.00002; ExAC 0.00003.
gnomAD v4.1: 106 of 1,614,080 alleles (0.0066%); highest among the groups gnomAD compares: Non-Finnish European, 0.0087%; no homozygotes.

Submissions (2):

Ambry Genetics
Classification: Uncertain significance for Inborn genetic diseases. Last evaluated: 2023-12-13. Review status: criteria provided, single submitter. Criteria: Ambry Variant Classification Scheme 2023. Collection method: clinical testing. Allele origin: germline.

Labcorp Genetics (formerly Invitae), Labcorp
Classification: Uncertain significance. Last evaluated: 2022-08-03. Review status: criteria provided, single submitter. Criteria: Invitae Variant Classification Sherloc (09022015). Collection method: clinical testing. Allele origin: germline.
Comment: This sequence change replaces aspartic acid, which is acidic and polar, with glutamic acid, which is acidic and polar, at codon 58 of the EXTL3 protein (p.Asp58Glu). This variant is present in population databases (rs762082642, gnomAD 0.006%). This variant has not been reported in the literature in individuals affected with EXTL3-related conditions. ClinVar contains an entry for this variant (Variation ID: 1401634). Algorithms developed to predict the effect of missense changes on protein structure and function (SIFT, PolyPhen-2, Align-GVGD) all suggest that this variant is likely to be tolerated. In summary, the available evidence is currently insufficient to determine the role of this variant in disease. Therefore, it has been classified as a Variant of Uncertain Significance.